The following is an entry in ClinVar:

ClinVar aggregate classification (germline): Uncertain significance (1 of 4 stars; one submission).

Submission:

Ambry Genetics
Classification: Uncertain significance. Last evaluated: 2024-06-01. Review status: criteria provided, single submitter. Criteria: Ambry Variant Classification Scheme 2023. Collection method: clinical testing. Allele origin: germline.
Comment: The c.975delA variant, located in coding exon 8 of the RECQL gene, results from a deletion of one nucleotide at nucleotide position 975, causing a translational frameshift with a predicted alternate stop codon (p.D326Tfs*42). This alteration is expected to result in loss of function by premature protein truncation or nonsense-mediated mRNA decay. The evidence for this gene-disease relationship is limited; therefore, the clinical significance of this alteration is unclear.

NM_002907.4(RECQL):c.975del (p.Asp326fs)

Gene: RECQL (RecQ like helicase; minus strand). Cytogenetic location: 12p12.1.
Variant type: Deletion.
Coding change: c.975del on transcript NM_002907.4 (MANE Select); coding-DNA position 975, one base deleted (A; older notation c.975delA).
Protein change: p.Asp326fs; shifts the reading frame from aspartic acid 326.
Molecular consequence: frameshift variant.
Genome position (GRCh38, 1-based): chr12:21,475,799, T deleted on the plus strand (A on the coding strand, the reverse complement: RECQL is on the minus strand); the first of 3 consecutive T bases (chr12:21,475,799-21,475,801); deleting any one gives the same sequence. VCF-style (leftmost placement, unchanged base first): chr12-21475798-CT-C. GRCh37 (hg19) VCF-style: chr12-21628732-CT-C.
Other names: c.975del, p.Asp326fs (NM_032941.3); short protein forms D326fs.
Identifiers: ClinVar variation 3313523 (VCV003313523.1).